The following is an entry in ClinVar:

ClinVar aggregate classification (germline): Uncertain significance (1 of 4 stars; one submission).

Allele frequency attached by ClinVar (database versions not stated): gnomAD exomes 0.00001; gnomAD 0.00002; TOPMed 0.00002.

Submission:

Labcorp Genetics (formerly Invitae), Labcorp
Classification: Uncertain significance. Last evaluated: 2022-07-12. Review status: criteria provided, single submitter. Criteria: Invitae Variant Classification Sherloc (09022015). Collection method: clinical testing. Allele origin: germline.
Comment: This sequence change replaces glutamic acid, which is acidic and polar, with lysine, which is basic and polar, at codon 38 of the DONSON protein (p.Glu38Lys). This variant is not present in population databases (gnomAD no frequency). This variant has not been reported in the literature in individuals affected with DONSON-related conditions. Algorithms developed to predict the effect of missense changes on protein structure and function (SIFT, PolyPhen-2, Align-GVGD) all suggest that this variant is likely to be tolerated. In summary, the available evidence is currently insufficient to determine the role of this variant in disease. Therefore, it has been classified as a Variant of Uncertain Significance.

NM_017613.4(DONSON):c.112G>A (p.Glu38Lys)

Gene: DONSON (DNA replication fork stabilization factor DONSON; minus strand). Cytogenetic location: 21q22.11.
Variant type: single nucleotide variant.
Coding change: c.112G>A on transcript NM_017613.4 (MANE Select); coding-DNA position 112, G replaced by A.
Protein change: p.Glu38Lys; replaces glutamic acid 38 with lysine.
Molecular consequence: missense variant.
Genome position (GRCh38, 1-based): chr21:33,588,530, C>T on the plus strand (G>A on the coding strand, the complement: DONSON is on the minus strand). VCF-style: chr21-33588530-C-T. GRCh37 (hg19) VCF-style: chr21-34960836-C-T.
Other names: short protein forms E38K.
Identifiers: ClinVar variation 1941924 (VCV001941924.2), dbSNP rs1284506242, ClinGen allele CA410145405.